The following is an entry in ClinVar:

NM_001199397.3(NEK1):c.238A>G (p.Met80Val)

Gene: NEK1 (NIMA related kinase 1; minus strand). Cytogenetic location: 4q33.
Variant type: single nucleotide variant.
Coding change: c.238A>G on transcript NM_001199397.3 (MANE Select); coding-DNA position 238, A replaced by G.
Protein change: p.Met80Val; replaces methionine 80 with valine.
Molecular consequence: missense variant.
Genome position (GRCh38, 1-based): chr4:169,599,174, T>C on the plus strand (A>G on the coding strand, the complement: NEK1 is on the minus strand). VCF-style: chr4-169599174-T-C. GRCh37 (hg19) VCF-style: chr4-170520325-T-C.
Other names: c.238A>G, p.Met80Val (NM_001199398.3, NM_001199399.3, NM_001199400.3 and 7 more transcripts); short protein forms M80V.
Identifiers: ClinVar variation 903278 (VCV000903278.8), dbSNP rs1770058884, ClinGen allele CA358743296.

ClinVar aggregate classification (germline): Uncertain significance. Review status: criteria provided, multiple submitters, no conflicts (2 of 4 stars). 2 submissions from 2 submitters: Uncertain significance (2). Last evaluated 2022-08-20.

Conditions:
Short-rib thoracic dysplasia 6 with or without polydactyly (SRTD6). Also called: Majewski Syndrome; POLYDACTYLY WITH NEONATAL CHONDRODYSTROPHY, TYPE II; SHORT RIB-POLYDACTYLY SYNDROME, TYPE IIA; SHORT-RIB THORACIC DYSPLASIA 6 WITH POLYDACTYLY; SHORT-RIB THORACIC DYSPLASIA 6 WITHOUT POLYDACTYLY. Identifiers: MedGen C0024507, MONDO:0009894, OMIM 263520.

Allele frequency attached by ClinVar (database versions not stated): gnomAD exomes 0.00001.
gnomAD v4.1: 12 of 1,612,816 alleles (0.00074%); highest among the groups gnomAD compares: Non-Finnish European, 0.001%; no homozygotes.

Submissions (2):

Labcorp Genetics (formerly Invitae), Labcorp
Classification: Uncertain significance for Short-rib thoracic dysplasia 6 with or without polydactyly. Last evaluated: 2022-08-20. Review status: criteria provided, single submitter. Criteria: Invitae Variant Classification Sherloc (09022015). Collection method: clinical testing. Allele origin: germline.
Comment: Algorithms developed to predict the effect of missense changes on protein structure and function are either unavailable or do not agree on the potential impact of this missense change (SIFT: "Deleterious"; PolyPhen-2: "Probably Damaging"; Align-GVGD: "Class C15"). In summary, the available evidence is currently insufficient to determine the role of this variant in disease. Therefore, it has been classified as a Variant of Uncertain Significance. This sequence change replaces methionine, which is neutral and non-polar, with valine, which is neutral and non-polar, at codon 80 of the NEK1 protein (p.Met80Val). This variant is not present in population databases (gnomAD no frequency). This variant has not been reported in the literature in individuals affected with NEK1-related conditions. ClinVar contains an entry for this variant (Variation ID: 903278).

Illumina Laboratory Services, Illumina
Classification: Uncertain significance for Short-rib thoracic dysplasia 6 with or without polydactyly. Last evaluated: 2017-08-30. Review status: criteria provided, single submitter. Criteria: ICSL Variant Classification Criteria 13 December 2019. Collection method: clinical testing. Allele origin: germline.
Comment: This variant was observed as part of a predisposition screen in an ostensibly healthy population. A literature search was performed for the gene, cDNA change, and amino acid change (where applicable). Publications were found based on this search. However, the evidence from the literature, in combination with allele frequency data from public databases where available, was not sufficient to rule this variant in or out of causing disease. Therefore, this variant is classified as a variant of unknown significance.

Literature cited by the submitters: PubMed 28710492 (cited by Illumina Laboratory Services, Illumina).